The following is an entry in ClinVar:

NM_015338.6(ASXL1):c.4096A>T (p.Ser1366Cys)

Gene: ASXL1 (ASXL transcriptional regulator 1; plus strand). Cytogenetic location: 20q11.21.
Variant type: single nucleotide variant.
Coding change: c.4096A>T on transcript NM_015338.6 (MANE Select); coding-DNA position 4096, A replaced by T.
Protein change: p.Ser1366Cys; replaces serine 1366 with cysteine.
Molecular consequence: missense variant.
Genome position (GRCh38, 1-based): chr20:32,436,808, A>T. VCF-style: chr20-32436808-A-T. GRCh37 (hg19) VCF-style: chr20-31024611-A-T.
Other names: c.3913A>T, p.Ser1305Cys (NM_001363734.1); short protein forms S1305C, S1366C.
Identifiers: ClinVar variation 3956266 (VCV003956266.1).
Genomic context (GRCh38, chr20:32,436,808, plus strand): 5'-TCTGGTGGGGTACAGACTCCAAGGGAAGACTGGGCTCCAAAGCCACATGCCTTTGTTGGC[A>T]GCGTCAAGAATGAGAAGACTTTTGTGGGGGGTCCTCTTAAGGCAAATGCCGAGAACAGGA-3'
Protein context (NP_056153.2, residues 1356-1376): WAPKPHAFVG[Ser1366Cys]VKNEKTFVGG

ClinVar aggregate classification (germline): Uncertain significance (1 of 4 stars; one submission).

Conditions:
Inborn genetic diseases. Identifiers: MedGen C0950123, MeSH D030342.

Submission:

Ambry Genetics
Classification: Uncertain significance for Inborn genetic diseases. Last evaluated: 2025-04-18. Review status: criteria provided, single submitter. Criteria: Ambry Variant Classification Scheme 2023. Collection method: clinical testing. Allele origin: germline.
Comment: The p.S1366C variant (also known as c.4096A>T), located in coding exon 13 of the ASXL1 gene, results from an A to T substitution at nucleotide position 4096. The serine at codon 1366 is replaced by cysteine, an amino acid with dissimilar properties. This amino acid position is conserved. In addition, this alteration is predicted to be tolerated by in silico analysis. Based on the available evidence, the clinical significance of this variant remains unclear.